The following is an entry in ClinVar:

NM_001389.5(DSCAM):c.2146T>C (p.Tyr716His)

Gene: DSCAM (DS cell adhesion molecule; minus strand). Cytogenetic location: 21q22.2.
Variant type: single nucleotide variant.
Coding change: c.2146T>C on transcript NM_001389.5 (MANE Select); coding-DNA position 2146, T replaced by C.
Protein change: p.Tyr716His; replaces tyrosine 716 with histidine.
Molecular consequence: missense variant. On other transcripts: non-coding transcript variant (1).
Genome position (GRCh38, 1-based): chr21:40,296,091, A>G on the plus strand (T>C on the coding strand, the complement: DSCAM is on the minus strand). VCF-style: chr21-40296091-A-G. GRCh37 (hg19) VCF-style: chr21-41668018-A-G.
Other names: c.2146T>C, p.Tyr716His (NM_001271534.3, NM_206887.1); short protein forms Y716H.
Identifiers: ClinVar variation 2652673 (VCV002652673.24), dbSNP rs2073950974, ClinGen allele CA410594843.

ClinVar aggregate classification (germline): Uncertain significance (1 of 4 stars; one submission).

Submission:

CeGaT Center for Human Genetics Tuebingen
Classification: Uncertain significance. Last evaluated: 2023-06-01. Review status: criteria provided, single submitter. Criteria: CeGaT Center For Human Genetics Tuebingen Variant Classification Criteria Version 2. Collection method: clinical testing. Allele origin: germline. Affected: yes. Observed: 1 variant allele.
Comment: DSCAM: PM2, PP2